The following is an entry in ClinVar:

ClinVar aggregate classification (germline): Benign. Review status: criteria provided, multiple submitters, no conflicts (2 of 4 stars). 2 submissions from 2 submitters: Benign (2). Last evaluated 2026-04-14.

Conditions:
Low phospholipid associated cholelithiasis (GBD1). Also called: Gallstone cholecystitis; Gallbladder disease 1. Identifiers: Orphanet 69663, MedGen C2609268, MONDO:0010939, OMIM 600803.
Familial intrahepatic cholestasis. Identifiers: Orphanet 284385, MedGen CN296401, MONDO:0017290.

Submissions (2):

Genomenon, Inc
Classification: Benign for Familial intrahepatic cholestasis; Low phospholipid associated cholelithiasis. Last evaluated: 2026-04-14. Review status: criteria provided, single submitter. Criteria: Genomenon Sequence Variant Interpretation Standards - Updated. Collection method: curation. Allele origin: germline. Affected: no.
Comment: ABCB4 c.1231-81del is a deletion variant located in intron 11. This variant is present at high allele frequency in population databases. We classify ABCB4 c.1231-81del as a benign variant.

GeneDx
Classification: Benign. Last evaluated: 2018-06-29. Review status: criteria provided, single submitter. Criteria: GeneDx Variant Classification Process June 2021. Collection method: clinical testing. Allele origin: germline. Affected: yes.

NM_000443.4(ABCB4):c.1231-81del

Gene: ABCB4 (ATP binding cassette subfamily B member 4; minus strand). Cytogenetic location: 7q21.12.
Variant type: Deletion.
Coding change: c.1231-81del on transcript NM_000443.4 (MANE Select); 81 bases into the intron before coding-DNA position 1231, one base deleted (T; older notation c.1231-81delT).
Molecular consequence: intron variant.
Genome position (GRCh38, 1-based): chr7:87,443,525, A deleted on the plus strand (T on the coding strand, the reverse complement: ABCB4 is on the minus strand); the first of 8 consecutive A bases (chr7:87,443,525-87,443,532); deleting any one gives the same sequence. VCF-style (leftmost placement, unchanged base first): chr7-87443524-GA-G. GRCh37 (hg19) VCF-style: chr7-87072840-GA-G.
Other names: c.1231-81del (NM_018850.3, NM_018849.3).
Identifiers: ClinVar variation 1233938 (VCV001233938.4), dbSNP rs3834727, ClinGen allele CA162092772.
Genomic context (GRCh38, chr7:87,443,524, plus strand): 5'-AAAGAACACACTTCACAACAAAGCCCTAAAATGGGAATAATTCGATTCAGTTTGAAATTT[GA>G]AAAAAAAGTATCAAATAAGGGAATATAACCCCCAAAGGAAAAGGCACATAAGTATCAAAA-3'